The following is an entry in ClinVar:

ClinVar aggregate classification (germline): Likely pathogenic (1 of 4 stars; one submission).

Conditions:
Cohen syndrome (COH1). Also called: PEPPER SYNDROME; Cutis verticis gyrata, retinitis pigmentosa, and sensorineural deafness. Identifiers: Orphanet 193, MedGen C0265223, MONDO:0008999, OMIM 216550.

Submission:

Labcorp Genetics (formerly Invitae), Labcorp
Classification: Likely pathogenic for Cohen syndrome. Last evaluated: 2020-09-16. Review status: criteria provided, single submitter. Criteria: Invitae Variant Classification Sherloc (09022015). Collection method: clinical testing. Allele origin: germline.
Comment: Donor and acceptor splice site variants typically lead to a loss of protein function (PMID: 16199547), and loss-of-function variants in VPS13B are known to be pathogenic (PMID: 15141358, 16648375, 20461111). Algorithms developed to predict the effect of sequence changes on RNA splicing suggest that this variant may disrupt the consensus splice site, but this prediction has not been confirmed by published transcriptional studies. This variant has not been reported in the literature in individuals with VPS13B-related conditions. This variant is not present in population databases (ExAC no frequency). This sequence change affects a donor splice site in intron 56 of the VPS13B gene. It is expected to disrupt RNA splicing and likely results in an absent or disrupted protein product. In summary, the currently available evidence indicates that the variant is pathogenic, but additional data are needed to prove that conclusively. Therefore, this variant has been classified as Likely Pathogenic.

Literature cited by the submitters: PubMed 16199547; PubMed 15141358; PubMed 16648375; PubMed 20461111.

NM_152564.5(VPS13B):c.10867+1G>T

Gene: VPS13B (vacuolar protein sorting 13 homolog B; plus strand). Cytogenetic location: 8q22.2.
Variant type: single nucleotide variant.
Coding change: c.10867+1G>T on transcript NM_152564.5 (MANE Select); the canonical splice donor site of the intron after coding-DNA position 10867, G replaced by T.
Molecular consequence: splice donor variant.
Genome position (GRCh38, 1-based): chr8:99,854,257, G>T. VCF-style: chr8-99854257-G-T. GRCh37 (hg19) VCF-style: chr8-100866485-G-T.
Other names: c.10942+1G>T (NM_017890.5).
Identifiers: ClinVar variation 1067901 (VCV001067901.8), dbSNP rs780902262, ClinGen allele CA371786508.